The following is an entry in ClinVar:

NM_198859.4(PRICKLE2):c.1371G>A (p.Met457Ile)

Gene: PRICKLE2 (prickle planar cell polarity protein 2; minus strand). Cytogenetic location: 3p14.1.
Variant type: single nucleotide variant.
Coding change: c.1371G>A on transcript NM_198859.4 (MANE Select); coding-DNA position 1371, G replaced by A.
Protein change: p.Met457Ile; replaces methionine 457 with isoleucine.
Molecular consequence: missense variant.
Genome position (GRCh38, 1-based): chr3:64,147,119, C>T on the plus strand (G>A on the coding strand, the complement: PRICKLE2 is on the minus strand). VCF-style: chr3-64147119-C-T. GRCh37 (hg19) VCF-style: chr3-64132795-C-T.
Other names: c.1371G>A, p.Met457Ile (NM_001370528.1); short protein forms M457I.
Identifiers: ClinVar variation 852576 (VCV000852576.8), dbSNP rs201170479, ClinGen allele CA2479639.

ClinVar aggregate classification (germline): Uncertain significance. Review status: criteria provided, multiple submitters, no conflicts (2 of 4 stars). 2 submissions from 2 submitters: Uncertain significance (2). Last evaluated 2024-10-11.

Conditions:
Progressive myoclonic epilepsy type 5. Identifiers: Orphanet 402082, MedGen C5190799.

Allele frequency attached by ClinVar (database versions not stated): ExAC 0.00001; gnomAD 0.00001 and 0.00002; gnomAD exomes 0.00001; TOPMed 0.00003; ESP Exome Variant Server 0.00008; 1000 Genomes Project 30x 0.00016; 1000 Genomes Project 0.00020.
gnomAD v4.1: 22 of 1,614,200 alleles (0.0014%); highest among the groups gnomAD compares: Admixed American, 0.0067%; no homozygotes.

Submissions (2):

Ambry Genetics
Classification: Uncertain significance. Last evaluated: 2024-10-11. Review status: criteria provided, single submitter. Criteria: Ambry Variant Classification Scheme 2023. Collection method: clinical testing. Allele origin: germline.

Labcorp Genetics (formerly Invitae), Labcorp
Classification: Uncertain significance for Progressive myoclonic epilepsy type 5. Last evaluated: 2024-06-13. Review status: criteria provided, single submitter. Criteria: Invitae Variant Classification Sherloc (09022015). Collection method: clinical testing. Allele origin: germline.
Comment: This sequence change replaces methionine, which is neutral and non-polar, with isoleucine, which is neutral and non-polar, at codon 457 of the PRICKLE2 protein (p.Met457Ile). This variant is present in population databases (rs201170479, gnomAD 0.009%). This variant has not been reported in the literature in individuals affected with PRICKLE2-related conditions. ClinVar contains an entry for this variant (Variation ID: 852576). Advanced modeling of protein sequence and biophysical properties (such as structural, functional, and spatial information, amino acid conservation, physicochemical variation, residue mobility, and thermodynamic stability) performed at Invitae indicates that this missense variant is not expected to disrupt PRICKLE2 protein function with a negative predictive value of 80%. In summary, the available evidence is currently insufficient to determine the role of this variant in disease. Therefore, it has been classified as a Variant of Uncertain Significance.